The following is an entry in ClinVar:

ClinVar aggregate classification (germline): Uncertain significance (1 of 4 stars; one submission).

Submission:

Labcorp Genetics (formerly Invitae), Labcorp
Classification: Uncertain significance. Last evaluated: 2025-01-27. Review status: criteria provided, single submitter. Criteria: Invitae Variant Classification Sherloc (09022015). Collection method: clinical testing. Allele origin: germline.
Comment: This sequence change falls in intron 29 of the COL11A2 gene. It does not directly change the encoded amino acid sequence of the COL11A2 protein. It affects a nucleotide within the consensus splice site. This variant is not present in population databases (gnomAD no frequency). This variant has not been reported in the literature in individuals affected with COL11A2-related conditions. ClinVar contains an entry for this variant (Variation ID: 2086956). Variants that disrupt the consensus splice site are a relatively common cause of aberrant splicing (PMID: 17576681, 9536098). Algorithms developed to predict the effect of sequence changes on RNA splicing suggest that this variant may disrupt the consensus splice site. In summary, the available evidence is currently insufficient to determine the role of this variant in disease. Therefore, it has been classified as a Variant of Uncertain Significance.

Literature cited by the submitters: PubMed 17576681; PubMed 9536098.

NM_080680.3(COL11A2):c.2268+4A>G

Gene: COL11A2 (collagen type XI alpha 2 chain; minus strand). Cytogenetic location: 6p21.32.
Variant type: single nucleotide variant.
Coding change: c.2268+4A>G on transcript NM_080680.3 (MANE Select); 4 bases into the intron after coding-DNA position 2268, A replaced by G.
Molecular consequence: intron variant.
Genome position (GRCh38, 1-based): chr6:33,176,012, T>C on the plus strand (A>G on the coding strand, the complement: COL11A2 is on the minus strand). VCF-style: chr6-33176012-T-C. GRCh37 (hg19) VCF-style: chr6-33143789-T-C.
Other names: c.1947+4A>G (NM_080679.3); c.2010+4A>G (NM_080681.3).
Identifiers: ClinVar variation 2086956 (VCV002086956.4), dbSNP rs2535064935, ClinGen allele CA2580074337.